The following is an entry in ClinVar:

NM_020832.3(ZNF687):c.1994C>T (p.Pro665Leu)

Gene: ZNF687 (zinc finger protein 687; plus strand). Cytogenetic location: 1q21.3.
Variant type: single nucleotide variant.
Coding change: c.1994C>T on transcript NM_020832.3 (MANE Select); coding-DNA position 1994, C replaced by T.
Protein change: p.Pro665Leu; replaces proline 665 with leucine.
Molecular consequence: missense variant.
Genome position (GRCh38, 1-based): chr1:151,288,285, C>T. VCF-style: chr1-151288285-C-T. GRCh37 (hg19) VCF-style: chr1-151260761-C-T.
Other names: c.1994C>T, p.Pro665Leu (NM_001304763.2, NM_001304764.2); short protein forms P665L.
Identifiers: ClinVar variation 2142342 (VCV002142342.22), dbSNP rs771386501, ClinGen allele CA1088436.

ClinVar aggregate classification (germline): Conflicting classifications of pathogenicity. Review status: criteria provided, conflicting classifications (1 of 4 stars). 2 submissions from 2 submitters: Uncertain significance (1); Likely benign (1). Last evaluated 2024-09-17.

Allele frequency attached by ClinVar (database versions not stated): ExAC 0.00006.

Submissions (2):

Labcorp Genetics (formerly Invitae), Labcorp
Classification: Uncertain significance. Last evaluated: 2024-09-17. Review status: criteria provided, single submitter. Criteria: Invitae Variant Classification Sherloc (09022015). Collection method: clinical testing. Allele origin: germline.
Comment: This sequence change replaces proline, which is neutral and non-polar, with leucine, which is neutral and non-polar, at codon 665 of the ZNF687 protein (p.Pro665Leu). The frequency data for this variant in the population databases is considered unreliable, as metrics indicate poor data quality at this position in the gnomAD database. This missense change has been observed in individual(s) with Paget disease of the bone (PMID: 29493781). ClinVar contains an entry for this variant (Variation ID: 2142342). An algorithm developed to predict the effect of missense changes on protein structure and function (PolyPhen-2) suggests that this variant is likely to be tolerated. In summary, the available evidence is currently insufficient to determine the role of this variant in disease. Therefore, it has been classified as a Variant of Uncertain Significance.

CeGaT Center for Human Genetics Tuebingen
Classification: Likely benign. Last evaluated: 2024-06-01. Review status: criteria provided, single submitter. Criteria: CeGaT Center For Human Genetics Tuebingen Variant Classification Criteria Version 2. Collection method: clinical testing. Allele origin: germline. Affected: yes. Observed: 1 variant allele.
Comment: ZNF687: BP4

Literature cited by the submitters: PubMed 29493781 (cited by Labcorp Genetics (formerly Invitae), Labcorp).